The following is an entry in ClinVar:

NM_022552.5(DNMT3A):c.601C>T (p.Arg201Cys)

Gene: DNMT3A (DNA methyltransferase 3 alpha; minus strand). Cytogenetic location: 2p23.3.
Variant type: single nucleotide variant.
Coding change: c.601C>T on transcript NM_022552.5 (MANE Select); coding-DNA position 601, C replaced by T.
Protein change: p.Arg201Cys; replaces arginine 201 with cysteine.
Molecular consequence: missense variant. On other transcripts: non-coding transcript variant (1).
Genome position (GRCh38, 1-based): chr2:25,274,979, G>A on the plus strand (C>T on the coding strand, the complement: DNMT3A is on the minus strand). VCF-style: chr2-25274979-G-A. GRCh37 (hg19) VCF-style: chr2-25497848-G-A.
Other names: c.601C>T, p.Arg201Cys (NM_175629.2); short protein forms R201C.
Identifiers: ClinVar variation 4988101 (VCV004988101.1).

ClinVar aggregate classification (germline): Uncertain significance (1 of 4 stars; one submission).

Conditions:
DNMT3A-related disorder. Also called: DNMT3A-related condition; DNMT3A-related disorders.

Submission:

PreventionGenetics, part of Exact Sciences
Classification: Uncertain significance for DNMT3A-related condition. Last evaluated: 2025-11-02. Review status: criteria provided, single submitter. Criteria: ACMG Guidelines, 2015. Collection method: clinical testing. Allele origin: germline.
Comment: The DNMT3A c.601C>T variant is predicted to result in the amino acid substitution p.Arg201Cys. To our knowledge, this variant has not been reported in the literature or in a large population database (gnomAD), indicating this variant is rare. At this time, the clinical significance of this variant is uncertain due to the absence of conclusive functional and genetic evidence.